The following is an entry in ClinVar:

ClinVar aggregate classification (germline): Likely benign. Review status: criteria provided, single submitter (1 of 4 stars). 2 submissions from 2 submitters: Likely benign (1). 1 of the submissions does not count toward it. Last evaluated 2026-04-01.

Conditions:
RAC3-related disorder. Also called: RAC3-related condition.

Allele frequency attached by ClinVar (database versions not stated): 1000 Genomes Project 0.00020; 1000 Genomes Project 30x 0.00031; TOPMed 0.00126; gnomAD 0.00127; ExAC 0.00169; ESP Exome Variant Server 0.00239; gnomAD exomes 0.00243.
gnomAD v4.1: 3,608 of 1,596,954 alleles (0.23%); highest among the groups gnomAD compares: Non-Finnish European, 0.3%; 8 homozygotes.

Submissions (2):

CeGaT Center for Human Genetics Tuebingen
Classification: Likely benign. Last evaluated: 2026-04-01. Review status: criteria provided, single submitter. Criteria: CeGaT Center For Human Genetics Tuebingen Variant Classification Criteria Version 2. Collection method: clinical testing. Allele origin: germline. Affected: yes. Observed: 9 variant alleles.
Comment: RAC3: BS1

PreventionGenetics, part of Exact Sciences
Classification: Likely benign for RAC3-related condition. Last evaluated: 2019-05-24. Review status: no assertion criteria provided. Collection method: clinical testing. Allele origin: germline. Not counted in ClinVar's aggregate classification.
Comment: This variant is classified as likely benign based on ACMG/AMP sequence variant interpretation guidelines (Richards et al. 2015 PMID: 25741868, with internal and published modifications).

NM_005052.3(RAC3):c.575T>C (p.Phe192Ser)

Gene: RAC3 (Rac family small GTPase 3; plus strand). Cytogenetic location: 17q25.3.
Variant type: single nucleotide variant.
Coding change: c.575T>C on transcript NM_005052.3 (MANE Select); coding-DNA position 575, T replaced by C.
Protein change: p.Phe192Ser; replaces phenylalanine 192 with serine.
Molecular consequence: missense variant. On other transcripts: 3 prime UTR variant (1).
Genome position (GRCh38, 1-based): chr17:82,033,825, T>C. VCF-style: chr17-82033825-T-C. GRCh37 (hg19) VCF-style: chr17-79991701-T-C.
Other names: c.575T>C (NM_005052.2); c.*66T>C (NM_001316307.2); short protein forms F192S.
Identifiers: ClinVar variation 2648480 (VCV002648480.25), dbSNP rs139309995, ClinGen allele CA8848490.